The following is an entry in ClinVar:

ClinVar aggregate classification (germline): Uncertain significance (1 of 4 stars; one submission).

Conditions:
Primary ciliary dyskinesia. Also called: Ciliary dyskinesia. Identifiers: Orphanet 244, MedGen C0008780, MONDO:0016575, HP:0012265.

gnomAD v4.1: 1 of 1,614,144 alleles (0.000062%); no homozygotes.

Submission:

Labcorp Genetics (formerly Invitae), Labcorp
Classification: Uncertain significance for Primary ciliary dyskinesia. Last evaluated: 2019-03-14. Review status: criteria provided, single submitter. Criteria: Invitae Variant Classification Sherloc (09022015). Collection method: clinical testing. Allele origin: germline.
Comment: This sequence change replaces alanine with serine at codon 238 of the DRC1 protein (p.Ala238Ser). The alanine residue is weakly conserved and there is a moderate physicochemical difference between alanine and serine. This variant is not present in population databases (ExAC no frequency). This variant has not been reported in the literature in individuals with DRC1-related conditions. Algorithms developed to predict the effect of missense changes on protein structure and function output the following: SIFT: "Tolerated"; PolyPhen-2: "Benign"; Align-GVGD: "Class C0". The serine amino acid residue is found in multiple mammalian species, suggesting that this missense change does not adversely affect protein function. These predictions have not been confirmed by published functional studies and their clinical significance is uncertain. In summary, the available evidence is currently insufficient to determine the role of this variant in disease. Therefore, it has been classified as a Variant of Uncertain Significance.

NM_145038.5(DRC1):c.712G>T (p.Ala238Ser)

Gene: DRC1 (dynein regulatory complex subunit 1; plus strand). Cytogenetic location: 2p23.3.
Variant type: single nucleotide variant.
Coding change: c.712G>T on transcript NM_145038.5 (MANE Select); coding-DNA position 712, G replaced by T.
Protein change: p.Ala238Ser; replaces alanine 238 with serine.
Molecular consequence: missense variant.
Genome position (GRCh38, 1-based): chr2:26,430,819, G>T. VCF-style: chr2-26430819-G-T. GRCh37 (hg19) VCF-style: chr2-26653687-G-T.
Other names: short protein forms A238S.
Identifiers: ClinVar variation 864180 (VCV000864180.10), dbSNP rs1663414723, ClinGen allele CA346102439.